The following is an entry in ClinVar:

ClinVar aggregate classification (germline): Conflicting classifications of pathogenicity. Review status: criteria provided, conflicting classifications (1 of 4 stars). 7 submissions from 7 submitters: Uncertain significance (1); Benign (1); Likely benign (5). Last evaluated 2026-01-12.

Conditions:
Hereditary cancer-predisposing syndrome. Also called: Neoplastic Syndromes, Hereditary; Tumor predisposition; Hereditary Cancer Syndrome; Hereditary neoplastic syndrome. Identifiers: Orphanet 140162, MedGen C0027672, MeSH D009386, MONDO:0015356.
Familial cancer of breast. Also called: BREAST CANCER, FAMILIAL; hereditary breast carcinoma; Hereditary breast cancer. Identifiers: Orphanet 227535, MedGen C0346153, MONDO:0016419, OMIM 114480. Disease mechanism: loss of function.

Allele frequency attached by ClinVar (database versions not stated): gnomAD exomes 0.00002; ExAC 0.00005; gnomAD 0.00005; TOPMed 0.00006; ESP Exome Variant Server 0.00008; 1000 Genomes Project 30x 0.00016; 1000 Genomes Project 0.00020.
gnomAD v4.1: 18 of 1,613,816 alleles (0.0011%); highest among the groups gnomAD compares: African/African-American, 0.023%; no homozygotes.

Submissions (7):

Labcorp Genetics (formerly Invitae), Labcorp
Classification: Likely benign for Familial cancer of breast. Last evaluated: 2026-01-12. Review status: criteria provided, single submitter. Criteria: Invitae Variant Classification Sherloc (09022015). Collection method: clinical testing. Allele origin: germline.

GeneDx
Classification: Uncertain significance. Last evaluated: 2025-06-09. Review status: criteria provided, single submitter. Criteria: GeneDx Variant Classification Process June 2021. Collection method: clinical testing. Allele origin: germline. Affected: yes.
Comment: Has not been previously published as pathogenic or benign to our knowledge; In silico analysis is inconclusive as to whether the variant alters gene splicing. In the absence of RNA/functional studies, the actual effect of this sequence change is unknown.

Myriad Genetics, Inc.
Classification: Benign for Familial cancer of breast. Last evaluated: 2024-07-25. Review status: criteria provided, single submitter. Criteria: Myriad Autosomal Dominant, Autosomal Recessive and X-Linked Classification Criteria (2023). Collection method: clinical testing. Allele origin: unknown.
Comment: This variant is considered benign. This variant is a silent/synonymous amino acid change and it is not expected to impact splicing.

Women's Health and Genetics/Laboratory Corporation of America, LabCorp
Classification: Likely benign. Last evaluated: 2023-09-23. Review status: criteria provided, single submitter. Criteria: LabCorp Variant Classification Summary - May 2015. Collection method: clinical testing. Allele origin: germline.

Sema4
Classification: Likely benign for Hereditary cancer-predisposing syndrome. Last evaluated: 2022-01-24. Review status: criteria provided, single submitter. Criteria: Sema4 Curation Guidelines. Collection method: curation. Allele origin: germline.

Color Diagnostics, LLC DBA Color Health
Classification: Likely benign for Hereditary cancer-predisposing syndrome. Last evaluated: 2019-01-02. Review status: criteria provided, single submitter. Criteria: ACMG Guidelines, 2015. Collection method: clinical testing. Allele origin: germline.

Ambry Genetics
Classification: Likely benign for Hereditary cancer-predisposing syndrome. Last evaluated: 2015-08-25. Review status: criteria provided, single submitter. Criteria: Ambry Variant Classification Scheme 2023. Collection method: clinical testing. Allele origin: germline.

NM_000465.4(BARD1):c.1353A>T (p.Gly451=)

Gene: BARD1 (BRCA1 associated RING domain 1; minus strand). Cytogenetic location: 2q35.
Variant type: single nucleotide variant.
Coding change: c.1353A>T on transcript NM_000465.4 (MANE Select); coding-DNA position 1353, A replaced by T.
Protein change: p.Gly451=; no amino-acid change (glycine 451 retained).
Molecular consequence: synonymous variant. On other transcripts: non-coding transcript variant (3), intron variant (3).
Genome position (GRCh38, 1-based): chr2:214,769,274, T>A on the plus strand (A>T on the coding strand, the complement: BARD1 is on the minus strand). VCF-style: chr2-214769274-T-A. GRCh37 (hg19) VCF-style: chr2-215633998-T-A.
Other names: c.1296A>T, p.Gly432= (NM_001282543.2); c.159-16719A>T (NM_001282548.2); c.216-16719A>T (NM_001282545.2); c.364+23023A>T (NM_001282549.2).
Identifiers: ClinVar variation 233380 (VCV000233380.23), dbSNP rs369564500, ClinGen allele CA2090278.